The following is an entry in ClinVar:

ClinVar aggregate classification (germline): Pathogenic (1 of 4 stars; one submission).

Conditions:
Primary ciliary dyskinesia. Also called: Ciliary dyskinesia. Identifiers: Orphanet 244, MedGen C0008780, MONDO:0016575, HP:0012265.

Submission:

Ambry Genetics
Classification: Pathogenic for Primary ciliary dyskinesia. Last evaluated: 2021-12-23. Review status: criteria provided, single submitter. Criteria: Ambry Variant Classification Scheme 2023. Collection method: clinical testing. Allele origin: germline.
Comment: The p.Q512* pathogenic mutation (also known as c.1534C>T), located in coding exon 11 of the DNAH5 gene, results from a C to T substitution at nucleotide position 1534. This changes the amino acid from a glutamine to a stop codon within coding exon 11. This variant is considered to be rare based on population cohorts in the Genome Aggregation Database (gnomAD). This alteration is expected to result in loss of function by premature protein truncation or nonsense-mediated mRNA decay. As such, this alteration is interpreted as a disease-causing mutation.

NM_001369.3(DNAH5):c.1534C>T (p.Gln512Ter)

Gene: DNAH5 (dynein axonemal heavy chain 5; minus strand). Cytogenetic location: 5p15.2.
Variant type: single nucleotide variant.
Coding change: c.1534C>T on transcript NM_001369.3 (MANE Select); coding-DNA position 1534, C replaced by T.
Protein change: p.Gln512Ter; replaces glutamine 512 with a stop codon.
Molecular consequence: nonsense.
Genome position (GRCh38, 1-based): chr5:13,913,745, G>A on the plus strand (C>T on the coding strand, the complement: DNAH5 is on the minus strand). VCF-style: chr5-13913745-G-A. GRCh37 (hg19) VCF-style: chr5-13913854-G-A.
Other names: short protein forms Q512*.
Identifiers: ClinVar variation 1774694 (VCV001774694.2), dbSNP rs764935565, ClinGen allele CA113957613.
Genomic context (GRCh38, chr5:13,913,745, plus strand): 5'-AAAATATTGAAGTTTAGTTGTGGATTATGTTATAAAATATAGCTTTAAAGTACAATACCT[G>A]GTATTTAGTGGCCATGTCTTCCAGCCCTTCAATTGTGGAATCTTGCAGGACTGAATACGT-3'